The following is an entry in ClinVar:

NM_001031689.3(PLAA):c.850_860del (p.Asp284fs)

Gene: PLAA (phospholipase A2 activating protein; minus strand). Cytogenetic location: 9p21.2.
Variant type: Deletion.
Coding change: c.850_860del on transcript NM_001031689.3 (MANE Select); coding-DNA positions 850 to 860, 11 bases deleted (GACATTGTGGT).
Protein change: p.Asp284fs; shifts the reading frame from aspartic acid 284.
Molecular consequence: frameshift variant.
Genome position (GRCh38, 1-based): chr9:26,925,834-26,925,844, ACCACAATGTC deleted on the plus strand (GACATTGTGGT on the coding strand, the reverse complement: PLAA is on the minus strand); deleting any 11 consecutive bases within chr9:26,925,834-26,925,848 gives the same sequence; the c. name uses the placement nearest the transcript's 3' end. VCF-style (leftmost placement, unchanged base first): chr9-26925833-AACCACAATGTC-A. GRCh37 (hg19) VCF-style: chr9-26925831-AACCACAATGTC-A.
Other names: c.850_860del, p.Asp284fs (NM_001321546.2); short protein forms D284fs.
Identifiers: ClinVar variation 1333605 (VCV001333605.1), dbSNP rs2131392225, ClinGen allele CA2573053165.

ClinVar aggregate classification (germline): Likely pathogenic (1 of 4 stars; one submission).

Conditions:
Neurodevelopmental disorder with progressive microcephaly, spasticity, and brain anomalies. Identifiers: Orphanet 521426, MedGen C4479631, MONDO:0060502, OMIM 617527.

Submission:

3billion
Classification: Likely pathogenic for Neurodevelopmental disorder with progressive microcephaly, spasticity, and brain anomalies. Last evaluated: 2022-01-03. Review status: criteria provided, single submitter. Criteria: ACMG Guidelines, 2015. Collection method: clinical testing. Allele origin: germline. Affected: yes. Observed: 1 heterozygote.
Comment: Frameshift: predicted to result in a loss or disruption of normal protein function through nonsense-mediated decay (NMD) or protein truncation. Multiple pathogenic variants are reported downstream of the variant (PVS1_VS). It is not observed in the gnomAD v2.1.1 dataset (PM2_M). Therefore, this variant is classified as likely pathogenic according to the recommendation of ACMG/AMP guideline.